The following is an entry in ClinVar:

ClinVar aggregate classification (germline): Pathogenic. Review status: reviewed by expert panel (3 of 4 stars). 2 submissions from 2 submitters: Pathogenic (1). 1 of the submissions does not count toward it. Last evaluated 2024-04-16.

Conditions:
Glanzmann thrombasthenia. Also called: PLATELET GLYCOPROTEIN IIb-IIIa DEFICIENCY; THROMBASTHENIA OF GLANZMANN AND NAEGELI; Glanzmann's thrombasthenia; Thrombasthenia. Identifiers: Orphanet 849, MedGen C0040015, MONDO:0100326.
Glanzmann thrombasthenia 1 (GT1). Also called: BLEEDING DISORDER, PLATELET-TYPE, 2; GP IIb-IIIa COMPLEX DEFICIENCY; GLYCOPROTEIN COMPLEX IIb-IIIa DEFICIENCY; PLATELET FIBRINOGEN RECEPTOR DEFICIENCY. Identifiers: MedGen CN300358, MONDO:0031332, OMIM 273800.

Submissions (2):

ClinGen Platelet Disorders Variant Curation Expert Panel, ClinGen
Classification: Pathogenic for Glanzmann thrombasthenia. Last evaluated: 2024-04-16. Review status: reviewed by expert panel. Criteria: ClinGen Platelet ACMG Specifications v2-1. Collection method: curation. Allele origin: germline. Inheritance: Autosomal recessive inheritance.
Comment: The c.444C>G (p.Tyr148Ter) variant in exon 4 is a nonsense variant predicted to cause a premature stop codon in biologically-relevant-exon 4 and is predicted to lead to nonsense mediated decay in a gene in which loss-of-function is an established disease mechanism (PVS1). The highest population minor allele frequency in gnomAD v4.0.0 is 0.000001799] (2/1112006 alleles) in the European (non-Finnish) population, which is lower than the ClinGen PD VCEP threshold (<0.0001; PM2_Supporting). This variant is reported in ClinVar (SCV002515562.1) in a homozygous Glanzmann thrombasthenia patient (PM3_Supporting). In summary, this variant meets the criteria to be classified as Pathogenic for autosomal recessive Glanzmann Thrombasthenia based on the ACMG/AMP criteria applied, as specified by the ClinGen PD VCEP: PVS1, PM3_Supporting and PM2_Supporting (VCEP specifications version 2; date of approval 04/16/2024.

ISTH-SSC Genomics in Thrombosis and Hemostasis, KU Leuven, Center for Molecular and Vascular Biology
Classification: Pathogenic for Glanzmann thrombasthenia 1. Review status: no assertion criteria provided. Collection method: clinical testing. Allele origin: germline. Affected: yes. Not counted in ClinVar's aggregate classification.
Comment: Submitted to GoldVariant by Loredana Bury - Paolo Gresele from University of Perugia, Department of Medicine and Surgery, Centre for Hemostasis and Thrombosis, Italy

NM_000212.3(ITGB3):c.444C>G (p.Tyr148Ter)

Gene: ITGB3 (integrin subunit beta 3; plus strand). Cytogenetic location: 17q21.32.
Variant type: single nucleotide variant.
Coding change: c.444C>G on transcript NM_000212.3 (MANE Select); coding-DNA position 444, C replaced by G.
Protein change: p.Tyr148Ter; replaces tyrosine 148 with a stop codon.
Molecular consequence: nonsense.
Genome position (GRCh38, 1-based): chr17:47,284,525, C>G. VCF-style: chr17-47284525-C-G. GRCh37 (hg19) VCF-style: chr17-45361891-C-G.
Other names: NM_000212.3(ITGB3):c.444C>G; p.Tyr148Ter; short protein forms Y148*.
Identifiers: ClinVar variation 1684354 (VCV001684354.2), dbSNP rs887221055, ClinGen allele CA400021992.